The following is an entry in ClinVar:

ClinVar aggregate classification (germline): Uncertain significance (1 of 4 stars; one submission).

Submission:

Labcorp Genetics (formerly Invitae), Labcorp
Classification: Uncertain significance. Last evaluated: 2022-10-18. Review status: criteria provided, single submitter. Criteria: Invitae Variant Classification Sherloc (09022015). Collection method: clinical testing. Allele origin: germline.
Comment: In summary, the available evidence is currently insufficient to determine the role of this variant in disease. Therefore, it has been classified as a Variant of Uncertain Significance. Advanced modeling of protein sequence and biophysical properties (such as structural, functional, and spatial information, amino acid conservation, physicochemical variation, residue mobility, and thermodynamic stability) performed at Invitae indicates that this missense variant is not expected to disrupt ACAN protein function. This variant has not been reported in the literature in individuals affected with ACAN-related conditions. This variant is not present in population databases (gnomAD no frequency). This sequence change replaces aspartic acid, which is acidic and polar, with histidine, which is basic and polar, at codon 55 of the ACAN protein (p.Asp55His).

NM_001369268.1(ACAN):c.163G>C (p.Asp55His)

Gene: ACAN (aggrecan; plus strand). Cytogenetic location: 15q26.1.
Variant type: single nucleotide variant.
Coding change: c.163G>C on transcript NM_001369268.1 (MANE Select); coding-DNA position 163, G replaced by C.
Protein change: p.Asp55His; replaces aspartic acid 55 with histidine.
Molecular consequence: missense variant.
Genome position (GRCh38, 1-based): chr15:88,838,755, G>C. VCF-style: chr15-88838755-G-C. GRCh37 (hg19) VCF-style: chr15-89381986-G-C.
Other names: c.163G>C, p.Asp55His (NM_001135.4, NM_001411096.1, NM_001411097.1 and 1 more transcripts); short protein forms D55H.
Identifiers: ClinVar variation 2190697 (VCV002190697.4), dbSNP rs763861381, ClinGen allele CA393714856.
Genomic context (GRCh38, chr15:88,838,755, plus strand): 5'-CAACCGTCCCCGCTGAGGGTCCTCCTGGGGACCTCCCTCACCATCCCCTGCTATTTCATC[G>C]ACCCCATGCACCCTGTGACCACCGCCCCTTCTACCGCCCCACTGGCCCCAAGAATCAAGT-3'
Protein context (NP_001356197.1, residues 45-65): TSLTIPCYFI[Asp55His]PMHPVTTAPS